The following is an entry in ClinVar:

NM_000202.8(IDS):c.419-16dup

Genes: IDS (iduronate 2-sulfatase; minus strand), LOC106050102 (IDS recombination region; plus strand). Cytogenetic location: Xq28.
Variant type: Duplication.
Coding change: c.419-16dup on transcript NM_000202.8 (MANE Select); 16 bases into the intron before coding-DNA position 419, one base duplicated (T; older notation c.419-16dupT).
Molecular consequence: intron variant.
Genome position (GRCh38, 1-based): chrX:149,501,043, A duplicated on the plus strand (T on the coding strand, the reverse complement: IDS is on the minus strand); the first of 11 consecutive A bases (chrX:149,501,043-149,501,053); duplicating any one gives the same sequence. VCF-style (leftmost placement, unchanged base first): chrX-149501042-G-GA. GRCh37 (hg19) VCF-style: chrX-148582573-G-GA.
Other names: p.?; c.149-16dup (NM_001166550.4); c.419-16dup (NM_006123.5); c.419-6dup (NM_000202.8).
Identifiers: ClinVar variation 197122 (VCV000197122.20), dbSNP rs781852261, ClinGen allele CA245081.
Genomic context (GRCh38, chrX:149,501,042, plus strand): 5'-ATAAGGTGGAAAAGACCAGCTATACGGAGAATCATCGGTATGGTTAGAAGATATCCCTTG[G>GA]AAAAAAAAAAAGGTTGTTAAAACATGATGAGTCTTTCAACACCCCACTCCCCATAATTAA-3'

ClinVar aggregate classification (germline): Conflicting classifications of pathogenicity. Review status: criteria provided, conflicting classifications (1 of 4 stars). 7 submissions from 7 submitters: Uncertain significance (1); Benign (2); Likely benign (1). 3 of the submissions do not count toward it. Last evaluated 2026-01-28.

Conditions:
Mucopolysaccharidosis, MPS-II (MPS2). Also called: IDURONATE 2-SULFATASE DEFICIENCY; Mucopolysaccharidosis Type II; IDS deficiency; Sulfoiduronate sulfatase deficiency; SIDS deficiency; Mucopolysaccharidosis with skin involvement. Identifiers: Orphanet 580, Orphanet 79388, MedGen C0026705, MONDO:0010674, OMIM 309900.
Mucopolysaccharidosis, MPS-III-A (MPS3A). Also called: Mucopolysaccharidosis, type IIIA; MPS III A; MUCOPOLYSACCHARIDOSIS, TYPE IIIA, ATTENUATED; SANFILIPPO SYNDROME A; SULFAMIDASE DEFICIENCY; mucopolysaccharidosis type 3A. Identifiers: Orphanet 581, Orphanet 79269, MedGen C0086647, MONDO:0009655, OMIM 252900.

Submissions (7):

Labcorp Genetics (formerly Invitae), Labcorp
Classification: Benign for Mucopolysaccharidosis, MPS-II. Last evaluated: 2026-01-28. Review status: criteria provided, single submitter. Criteria: Invitae Variant Classification Sherloc (09022015). Collection method: clinical testing. Allele origin: germline.

Mayo Clinic Laboratories, Mayo Clinic
Classification: Benign. Last evaluated: 2024-12-12. Review status: criteria provided, single submitter. Criteria: ACMG Guidelines, 2015. Collection method: clinical testing. Allele origin: germline. Observed: 13 variant alleles.
Comment: BS1, BS2, BP7

GeneDx
Classification: Likely benign. Last evaluated: 2019-08-26. Review status: criteria provided, single submitter. Criteria: GeneDx Variant Classification Process June 2021. Collection method: clinical testing. Allele origin: germline. Affected: yes.

Eurofins Ntd Llc (ga)
Classification: Uncertain significance. Last evaluated: 2014-10-29. Review status: criteria provided, single submitter. Criteria: EGL Classification Definitions. Collection method: clinical testing. Allele origin: germline. Observed: 5 variant alleles, 5 heterozygotes.

Natera, Inc.
Classification: Benign for Mucopolysaccharidosis type IIIA. Last evaluated: 2019-09-27. Review status: no assertion criteria provided. Collection method: clinical testing. Allele origin: germline. Not counted in ClinVar's aggregate classification.

Clinical Genetics DNA and cytogenetics Diagnostics Lab, Erasmus MC, Erasmus Medical Center
Classification: Benign. Review status: no assertion criteria provided. Collection method: clinical testing. Allele origin: germline. Affected: yes. Study: VKGL Data-share Consensus. Not counted in ClinVar's aggregate classification.

Clinical Genetics, Academic Medical Center
Classification: Benign. Review status: no assertion criteria provided. Collection method: clinical testing. Allele origin: germline. Affected: yes. Study: VKGL Data-share Consensus. Not counted in ClinVar's aggregate classification.